The following is an entry in ClinVar:

NM_020631.6(PLEKHG5):c.440-6A>G

Gene: PLEKHG5 (pleckstrin homology and RhoGEF domain containing G5; minus strand). Cytogenetic location: 1p36.31.
Variant type: single nucleotide variant.
Coding change: c.440-6A>G on transcript NM_020631.6 (MANE Select); 6 bases into the intron before coding-DNA position 440, A replaced by G.
Molecular consequence: intron variant.
Genome position (GRCh38, 1-based): chr1:6,474,170, T>C on the plus strand (A>G on the coding strand, the complement: PLEKHG5 is on the minus strand). VCF-style: chr1-6474170-T-C. GRCh37 (hg19) VCF-style: chr1-6534230-T-C.
Other names: p.?; c.647-6A>G (NM_001265593.1, NM_001265593.2); c.440-6A>G (NM_020631.5, NM_198681.4, NM_001265594.3 and 2 more transcripts); c.551-6A>G (NM_001042663.3, NM_001265592.2).
Identifiers: ClinVar variation 378374 (VCV000378374.27), dbSNP rs202049535, ClinGen allele CA561842.

ClinVar aggregate classification (germline): Benign/Likely benign. Review status: criteria provided, multiple submitters, no conflicts (2 of 4 stars). 8 submissions from 8 submitters: Benign (5); Likely benign (1). 2 of the submissions do not count toward it. Last evaluated 2026-01-28.

Conditions:
Neuronopathy, distal hereditary motor, autosomal recessive 4. Also called: NEUROPATHY, DISTAL HEREDITARY MOTOR, AUTOSOMAL RECESSIVE 4; Autosomal recessive lower motor neuron disease with childhood onset. Identifiers: Orphanet 206580, MedGen C1970211, MONDO:0012608, OMIM 611067.
Charcot-Marie-Tooth disease recessive intermediate C. Also called: CHARCOT-MARIE-TOOTH NEUROPATHY, RECESSIVE INTERMEDIATE C. Identifiers: Orphanet 369867, MedGen C3809309, MONDO:0014154, OMIM 615376.

Allele frequency attached by ClinVar (database versions not stated): gnomAD exomes 0.00099; ExAC 0.00116; ESP Exome Variant Server 0.00346; 1000 Genomes Project 30x 0.00390; gnomAD 0.00407 and 0.00443; 1000 Genomes Project 0.00439; TOPMed 0.00492.
gnomAD v4.1: 1,348 of 1,613,232 alleles (0.084%); highest among the groups gnomAD compares: African/African-American, 1.6%; 17 homozygotes.

Submissions (8):

Labcorp Genetics (formerly Invitae), Labcorp
Classification: Benign for Neuronopathy, distal hereditary motor, autosomal recessive 4; Charcot-Marie-Tooth disease recessive intermediate C. Last evaluated: 2026-01-28. Review status: criteria provided, single submitter. Criteria: Invitae Variant Classification Sherloc (09022015). Collection method: clinical testing. Allele origin: germline.

Genomic Medicine Center of Excellence, King Faisal Specialist Hospital and Research Centre
Classification: Likely benign. Last evaluated: 2025-08-18. Review status: criteria provided, single submitter. Criteria: ACMG Guidelines, 2015. Collection method: clinical testing. Allele origin: germline.

Mayo Clinic Laboratories, Mayo Clinic
Classification: Benign. Last evaluated: 2023-08-22. Review status: criteria provided, single submitter. Criteria: ACMG Guidelines, 2015. Collection method: clinical testing. Allele origin: germline. Observed: 8 variant alleles.
Comment: BA1, BP4, BP7

Illumina Laboratory Services, Illumina
Classification: Benign for Neuronopathy, distal hereditary motor, autosomal recessive 4. Last evaluated: 2018-01-12. Review status: criteria provided, single submitter. Criteria: ICSL Variant Classification Criteria 13 December 2019. Collection method: clinical testing. Allele origin: germline.
Comment: This variant was observed in the ICSL laboratory as part of a predisposition screen in an ostensibly healthy population. It had not been previously curated by ICSL or reported in the Human Gene Mutation Database (HGMD: prior to June 1st, 2018), and was therefore a candidate for classification through an automated scoring system. Utilizing variant allele frequency, disease prevalence and penetrance estimates, and inheritance mode, an automated score was calculated to assess if this variant is too frequent to cause the disease. Based on the score and internal cut-off values, a variant classified as benign is not then subjected to further curation. The score for this variant resulted in a classification of benign for this disease.

GeneDx
Classification: Benign. Last evaluated: 2015-09-14. Review status: criteria provided, single submitter. Criteria: GeneDx Variant Classification (06012015). Collection method: clinical testing. Allele origin: germline. Affected: yes.
Comment: This variant is considered likely benign or benign based on one or more of the following criteria: it is a conservative change, it occurs at a poorly conserved position in the protein, it is predicted to be benign by multiple in silico algorithms, and/or has population frequency not consistent with disease.

Breakthrough Genomics
Classification: Benign. Review status: criteria provided, single submitter. Criteria: ACMG Guidelines, 2015. Collection method: not provided. Allele origin: germline. Inheritance: Autosomal recessive inheritance. Affected: yes.

Clinical Genetics, Academic Medical Center
Classification: Likely benign. Review status: no assertion criteria provided. Collection method: clinical testing. Allele origin: germline. Affected: yes. Study: VKGL Data-share Consensus. Not counted in ClinVar's aggregate classification.

Genome Diagnostics Laboratory, University Medical Center Utrecht
Classification: Likely benign. Review status: no assertion criteria provided. Collection method: clinical testing. Allele origin: germline. Affected: yes. Study: VKGL Data-share Consensus. Not counted in ClinVar's aggregate classification.